The following is an entry in ClinVar:

NM_001754.5(RUNX1):c.708G>A (p.Met236Ile)

Gene: RUNX1 (RUNX family transcription factor 1; minus strand). Cytogenetic location: 21q22.12.
Variant type: single nucleotide variant.
Coding change: c.708G>A on transcript NM_001754.5 (MANE Select); coding-DNA position 708, G replaced by A.
Protein change: p.Met236Ile; replaces methionine 236 with isoleucine.
Molecular consequence: missense variant.
Genome position (GRCh38, 1-based): chr21:34,834,507, C>T on the plus strand (G>A on the coding strand, the complement: RUNX1 is on the minus strand). VCF-style: chr21-34834507-C-T. GRCh37 (hg19) VCF-style: chr21-36206804-C-T.
Other names: NM_001754.5(RUNX1):c.708G>A; p.Met236Ile; c.708G>A (NM_001754.4); c.627G>A, p.Met209Ile (NM_001001890.3, NM_001122607.2); short protein forms M209I, M236I.
Identifiers: ClinVar variation 1056713 (VCV001056713.11), dbSNP rs1060502578, ClinGen allele CA410206855.

ClinVar aggregate classification (germline): Uncertain significance. Review status: reviewed by expert panel (3 of 4 stars). 3 submissions from 3 submitters: Uncertain significance (1). 2 of the submissions do not count toward it. Last evaluated 2025-01-15.

Conditions:
Hereditary thrombocytopenia and hematological cancer predisposition syndrome associated with RUNX1. Also called: PLATELET DISORDER, ASPIRIN-LIKE; Familial Platelet Disorder with Propensity to Acute Myelogenous Leukemia; Familial thrombocytopenia with propensity to acute myelogenous leukemia; RUNX1 Familial Platelet Disorder with Associated Myeloid Malignancies. Identifiers: Orphanet 71290, MedGen C1832388, MeSH C563324, MONDO:0100083, OMIM 601399.
Hereditary thrombocytopenia and hematologic cancer predisposition syndrome. Identifiers: Orphanet 71290, MedGen CN281654, MONDO:0011071.
Inborn genetic diseases. Identifiers: MedGen C0950123, MeSH D030342.

Submissions (3):

ClinGen Myeloid Malignancy Variant Curation Expert Panel
Classification: Uncertain significance for Hereditary thrombocytopenia and hematologic cancer predisposition syndrome. Last evaluated: 2025-01-15. Review status: reviewed by expert panel. Criteria: ClinGen MyeloMalig ACMG Specifications v2. Collection method: curation. Allele origin: germline. Inheritance: Autosomal dominant inheritance.
Comment: NM_001754.5(RUNX1):c.708G>A (p.Met236Ile) is a missense variant which has a REVEL score < 0.50 (0.444) and a SpliceAI score ≤ 0.20 (0.03) (BP4). This variant is completely absent from all population databases with at least 20x coverage for RUNX1 (PM2_Supporting). In summary, the clinical significance of this variant is uncertain. ACMG/AMP criteria applied, as specified by the Myeloid Malignancy Variant Curation Expert Panel for RUNX1: BP4, PM2_supporting.

Ambry Genetics
Classification: Uncertain significance for Inborn genetic diseases. Last evaluated: 2025-11-09. Review status: criteria provided, single submitter. Criteria: Ambry Variant Classification Scheme 2023. Collection method: clinical testing. Allele origin: germline. Not counted in ClinVar's aggregate classification.
Comment: The p.M236I variant (also known as c.708G>A), located in coding exon 6 of the RUNX1 gene, results from a G to A substitution at nucleotide position 708. The methionine at codon 236 is replaced by isoleucine, an amino acid with highly similar properties. This amino acid position is conserved. In addition, the in silico prediction for this alteration is inconclusive. Based on the available evidence, the clinical significance of this variant remains unclear.

Labcorp Genetics (formerly Invitae), Labcorp
Classification: Uncertain significance for Hereditary thrombocytopenia and hematological cancer predisposition syndrome associated with RUNX1. Last evaluated: 2020-01-15. Review status: criteria provided, single submitter. Criteria: Invitae Variant Classification Sherloc (09022015). Collection method: clinical testing. Allele origin: germline. Not counted in ClinVar's aggregate classification.
Comment: This variant is not present in population databases (ExAC no frequency). This sequence change replaces methionine with isoleucine at codon 236 of the RUNX1 protein (p.Met236Ile). The methionine residue is moderately conserved and there is a small physicochemical difference between methionine and isoleucine. This variant has not been reported in the literature in individuals with RUNX1-related conditions. Algorithms developed to predict the effect of missense changes on protein structure and function (SIFT, PolyPhen-2, Align-GVGD) all suggest that this variant is likely to be tolerated, but these predictions have not been confirmed by published functional studies and their clinical significance is uncertain. In summary, the available evidence is currently insufficient to determine the role of this variant in disease. Therefore, it has been classified as a Variant of Uncertain Significance.